The following is an entry in ClinVar:

NM_013447.4(ADGRE2):c.238G>A (p.Gly80Arg)

Gene: ADGRE2 (adhesion G protein-coupled receptor E2; minus strand). Cytogenetic location: 19p13.12.
Variant type: single nucleotide variant.
Coding change: c.238G>A on transcript NM_013447.4 (MANE Select); coding-DNA position 238, G replaced by A.
Protein change: p.Gly80Arg; replaces glycine 80 with arginine.
Molecular consequence: missense variant.
Genome position (GRCh38, 1-based): chr19:14,772,459, C>T on the plus strand (G>A on the coding strand, the complement: ADGRE2 is on the minus strand). VCF-style: chr19-14772459-C-T. GRCh37 (hg19) VCF-style: chr19-14883271-C-T.
Other names: c.238G>A, p.Gly80Arg (NM_001271052.1); c.238G>A (NM_013447.2); short protein forms G80R.
Identifiers: ClinVar variation 1049939 (VCV001049939.5), dbSNP rs370033223, ClinGen allele CA9258232.

ClinVar aggregate classification (germline): Uncertain significance. Review status: criteria provided, multiple submitters, no conflicts (2 of 4 stars). 3 submissions from 3 submitters: Uncertain significance (2). 1 of the submissions does not count toward it. Last evaluated 2025-11-22.

Allele frequency attached by ClinVar (database versions not stated): gnomAD exomes 0.00012; gnomAD 0.00004; ESP Exome Variant Server 0.00008; 1000 Genomes Project 30x 0.00016; ExAC 0.00009.

Submissions (3):

Labcorp Genetics (formerly Invitae), Labcorp
Classification: Uncertain significance. Last evaluated: 2025-11-22. Review status: criteria provided, single submitter. Criteria: Invitae Variant Classification Sherloc (09022015). Collection method: clinical testing. Allele origin: germline.
Comment: This sequence change replaces glycine, which is neutral and non-polar, with arginine, which is basic and polar, at codon 80 of the ADGRE2 protein (p.Gly80Arg). This variant is present in population databases (rs370033223, gnomAD 0.04%). This variant has not been reported in the literature in individuals affected with ADGRE2-related conditions. ClinVar contains an entry for this variant (Variation ID: 1049939). An algorithm developed to predict the effect of missense changes on protein structure and function (PolyPhen-2) suggests that this variant is likely to be disruptive. In summary, the available evidence is currently insufficient to determine the role of this variant in disease. Therefore, it has been classified as a Variant of Uncertain Significance.

Ambry Genetics
Classification: Uncertain significance. Last evaluated: 2025-01-16. Review status: criteria provided, single submitter. Criteria: Ambry Variant Classification Scheme 2023. Collection method: clinical testing. Allele origin: germline.

Department of Pathology and Laboratory Medicine, Sinai Health System
Classification: Uncertain significance. Review status: no assertion criteria provided. Collection method: clinical testing. Allele origin: unknown. Affected: yes. Study: The Canadian Open Genetics Repository (COGR). Not counted in ClinVar's aggregate classification.
Comment: The ADGRE2 p.Gly80Arg variant was not identified in the literature nor was it identified in ClinVar. The variant was identified in dbSNP (ID: rs370033223) and LOVD 3.0 (variant affect not shared). The variant was identified in control databases in 20 of 251428 chromosomes (2 homozygous) at a frequency of 0.00007955 (Genome Aggregation Database March 6, 2019, v2.1.1). The variant was observed in the following populations: South Asian in 11 of 30614 chromosomes (freq: 0.000359) and European (non-Finnish) in 9 of 113720 chromosomes (freq: 0.000079), but was not observed in the African, Latino, Ashkenazi Jewish, East Asian, European (Finnish), or Other populations. The p.Gly80 residue is not conserved in mammals and computational analyses (PolyPhen-2, SIFT, AlignGVGD, BLOSUM, MutationTaster) provide inconsistent predictions regarding the impact to the protein; this information is not very predictive of pathogenicity. The variant occurs outside of the splicing consensus sequence and in silico or computational prediction software programs (SpliceSiteFinder, MaxEntScan, NNSPLICE, GeneSplicer) do not predict a difference in splicing. In summary, based on the above information the clinical significance of this variant cannot be determined with certainty at this time. This variant is classified as a variant of uncertain significance.